The following is an entry in ClinVar:

ClinVar aggregate classification (germline): Uncertain significance (1 of 4 stars; one submission).

gnomAD v4.1: 4 of 1,611,506 alleles (0.00025%); highest among the groups gnomAD compares: African/African-American, 0.0013%; no homozygotes.

Submission:

Ambry Genetics
Classification: Uncertain significance. Last evaluated: 2025-02-24. Review status: criteria provided, single submitter. Criteria: Ambry Variant Classification Scheme 2023. Collection method: clinical testing. Allele origin: germline.
Comment: The p.L80F variant (also known as c.238C>T), located in coding exon 3 of the SRP72 gene, results from a C to T substitution at nucleotide position 238. The leucine at codon 80 is replaced by phenylalanine, an amino acid with highly similar properties. This amino acid position is conserved. In addition, this alteration is predicted to be tolerated by in silico analysis. Based on the available evidence, the clinical significance of this variant remains unclear.

NM_006947.4(SRP72):c.238C>T (p.Leu80Phe)

Gene: SRP72 (signal recognition particle 72; plus strand). Cytogenetic location: 4q12.
Variant type: single nucleotide variant.
Coding change: c.238C>T on transcript NM_006947.4 (MANE Select); coding-DNA position 238, C replaced by T.
Protein change: p.Leu80Phe; replaces leucine 80 with phenylalanine.
Molecular consequence: missense variant. On other transcripts: non-coding transcript variant (1).
Genome position (GRCh38, 1-based): chr4:56,471,727, C>T. VCF-style: chr4-56471727-C-T. GRCh37 (hg19) VCF-style: chr4-57337893-C-T.
Other names: c.238C>T, p.Leu80Phe (NM_001267722.2); short protein forms L80F.
Identifiers: ClinVar variation 3801502 (VCV003801502.1).
Genomic context (GRCh38, chr4:56,471,727, plus strand): 5'-GTGCATTGCATTGTTAGATAATAATCAGATACTGTTTTTTTTTCCTTCTTCAGTAACTCT[C>T]TCTCCTTTGAAAAGGCATATTGCGAGTACAGGCTGAACAGAATTGAGAATGCCTTGAAGA-3'
Protein context (NP_008878.3, residues 70-90): THTKVLANNS[Leu80Phe]SFEKAYCEYR